The following is an entry in ClinVar:

ClinVar aggregate classification (germline): Benign (1 of 4 stars; one submission).

Conditions:
Ulnar-mammary syndrome (UMS). Also called: SCHINZEL SYNDROME; Ulnar-mammary syndrome of Pallister; PALLISTER ULNAR-MAMMARY SYNDROME. Identifiers: Orphanet 3138, MedGen C1866994, MONDO:0008411, OMIM 181450.

Allele frequency attached by ClinVar (database versions not stated): 1000 Genomes Project 0.00260; 1000 Genomes Project 30x 0.00297; gnomAD exomes 0.00842; TOPMed 0.00952; gnomAD 0.01217.

Submission:

Illumina Laboratory Services, Illumina
Classification: Benign for Ulnar-mammary syndrome. Last evaluated: 2018-01-13. Review status: criteria provided, single submitter. Criteria: ICSL Variant Classification Criteria 13 December 2019. Collection method: clinical testing. Allele origin: germline.
Comment: This variant was observed in the ICSL laboratory as part of a predisposition screen in an ostensibly healthy population. It had not been previously curated by ICSL or reported in the Human Gene Mutation Database (HGMD: prior to June 1st, 2018), and was therefore a candidate for classification through an automated scoring system. Utilizing variant allele frequency, disease prevalence and penetrance estimates, and inheritance mode, an automated score was calculated to assess if this variant is too frequent to cause the disease. Based on the score and internal cut-off values, a variant classified as benign is not then subjected to further curation. The score for this variant resulted in a classification of benign for this disease.

NM_005996.4(TBX3):c.*1340G>A

Gene: TBX3 (T-box transcription factor 3; minus strand). Cytogenetic location: 12q24.21.
Variant type: single nucleotide variant.
Coding change: c.*1340G>A on transcript NM_005996.4 (MANE Select); 1340 bases downstream of the stop codon, G replaced by A.
Molecular consequence: 3 prime UTR variant.
Genome position (GRCh38, 1-based): chr12:114,670,501, C>T on the plus strand (G>A on the coding strand, the complement: TBX3 is on the minus strand). VCF-style: chr12-114670501-C-T. GRCh37 (hg19) VCF-style: chr12-115108306-C-T.
Other names: c.*1340G>A (NM_016569.4).
Identifiers: ClinVar variation 307327 (VCV000307327.5), dbSNP rs61933121, ClinGen allele CA10641064.